The following is an entry in ClinVar:

ClinVar aggregate classification (germline): Uncertain significance (1 of 4 stars; one submission).

Conditions:
Hypophosphatasia. Also called: Phosphoethanol-aminuria. Identifiers: Orphanet 436, MedGen C0020630, MeSH D007014, MONDO:0018570.

Submission:

JKU Lab, Dept of Paediatrics, Johannes Kepler University
Classification: Uncertain significance for Hypophosphatasia. Last evaluated: 2025-04-24. Review status: criteria provided, single submitter. Criteria: ACMG Guidelines, 2015. Collection method: clinical testing. Allele origin: germline. Affected: yes.
Comment: This synonymous variant is present in GnomAD 4.1 (0.000062%) and affects a highly conserved amino acid in the putative phosphorylation site domain. Splice-prediction algorithms predict no effect on splicing. This variant has not been reported in the literature in individuals affected with ALPL-related conditions. The applied ACMG criteria can be viewed at an online resource

NM_000478.6(ALPL):c.498C>T (p.Thr166=)

Gene: ALPL (alkaline phosphatase, biomineralization associated; plus strand). Cytogenetic location: 1p36.12.
Variant type: single nucleotide variant.
Coding change: c.498C>T on transcript NM_000478.6 (MANE Select); coding-DNA position 498, C replaced by T.
Protein change: p.Thr166=; no amino-acid change (threonine 166 retained).
Molecular consequence: synonymous variant.
Genome position (GRCh38, 1-based): chr1:21,564,066, C>T. VCF-style: chr1-21564066-C-T. GRCh37 (hg19) VCF-style: chr1-21890559-C-T.
Other names: c.333C>T, p.Thr111= (NM_001127501.4); c.267C>T, p.Thr89= (NM_001177520.3); c.498C>T, p.Thr166= (NM_001369803.2, NM_001369804.2, NM_001369805.2).
Identifiers: ClinVar variation 3897702 (VCV003897702.1).